The following is an entry in ClinVar:

ClinVar aggregate classification (germline): Likely pathogenic. Review status: criteria provided, multiple submitters, no conflicts (2 of 4 stars). 4 submissions from 4 submitters: Likely pathogenic (2). 2 of the submissions do not count toward it. Last evaluated 2026-01-13.

Conditions:
MC4R-related disorder. Also called: MC4R-related condition.
BODY MASS INDEX QUANTITATIVE TRAIT LOCUS 20 (BMIQ20). Also called: MELANOCORTIN 4 RECEPTOR DEFICIENCY; MC4R DEFICIENCY. Identifiers: MedGen C4759928, OMIM 618406.

Allele frequency attached by ClinVar (database versions not stated): gnomAD exomes 0.00001.

Submissions (4):

PreventionGenetics, part of Exact Sciences
Classification: Likely pathogenic for MC4R-related condition. Last evaluated: 2026-01-13. Review status: criteria provided, single submitter. Criteria: ACMG Guidelines, 2015. Collection method: clinical testing. Allele origin: germline.
Comment: The MC4R c.779C>A variant is predicted to result in the amino acid substitution p.Pro260Gln. This variant was reported in the heterozygous state in individuals with obesity (Stutzmann et al. 2008. PubMed ID: 18559663; Beckers et al. 2010. PubMed ID: 20975296). This variant was also documented in the homozygous state in an individual with childhood obesity and the individual's father was also reported to be obese (Kleinendorst et al. 2018. PubMed ID: 29970488). Functional studies showed that this variant leads to intracellular retention of the mutant protein and reduced cAMP response to α-MSH (Stutzmann et al. 2008. PubMed ID: 18559663; Beckers et al. 2010. PubMed ID: 20975296; Wang and Tao. 2011. PubMed ID: 21729752; He and Tao. 2014. PubMed ID: 25332687). This variant has not been reported in a large population database (gnomAD), indicating this variant is rare. This variant is interpreted as likely pathogenic.

Institute of Human Genetics, University of Leipzig Medical Center
Classification: Likely pathogenic for BODY MASS INDEX QUANTITATIVE TRAIT LOCUS 20. Last evaluated: 2019-08-26. Review status: criteria provided, single submitter. Criteria: ACMG Guidelines, 2015. Collection method: clinical testing. Allele origin: germline. Affected: yes. Observed: 1 variant allele.

Clinical Genetics, Academic Medical Center
Classification: Pathogenic. Review status: no assertion criteria provided. Collection method: clinical testing. Allele origin: germline. Affected: yes. Study: VKGL Data-share Consensus. Not counted in ClinVar's aggregate classification.

Genome Diagnostics Laboratory, University Medical Center Utrecht
Classification: Pathogenic. Review status: no assertion criteria provided. Collection method: clinical testing. Allele origin: germline. Affected: yes. Study: VKGL Data-share Consensus. Not counted in ClinVar's aggregate classification.

NM_005912.3(MC4R):c.779C>A (p.Pro260Gln)

Gene: MC4R (melanocortin 4 receptor; minus strand). Cytogenetic location: 18q21.32.
Variant type: single nucleotide variant.
Coding change: c.779C>A on transcript NM_005912.3 (MANE Select); coding-DNA position 779, C replaced by A.
Protein change: p.Pro260Gln; replaces proline 260 with glutamine.
Molecular consequence: missense variant.
Genome position (GRCh38, 1-based): chr18:60,371,571, G>T on the plus strand (C>A on the coding strand, the complement: MC4R is on the minus strand). VCF-style: chr18-60371571-G-T. GRCh37 (hg19) VCF-style: chr18-58038804-G-T.
Other names: short protein forms P260Q.
Identifiers: ClinVar variation 976250 (VCV000976250.4), dbSNP rs1435358988, ClinGen allele CA402719103.
Genomic context (GRCh38, chr18:60,371,571, plus strand): 5'-AAGCACACACAATATGGATTCTGAGGACAAGAGATGTAGAATATTAAGTGGAGGAAGAAT[G>T]GGGCCCAGCAGACAACAAAGACGCCAATCAGGATGGTCAAGGTAATCGCTCCCTTCATAT-3'
Protein context (NP_005903.2, residues 250-270): LIGVFVVCWA[Pro260Gln]FFLHLIFYIS